The following is an entry in ClinVar:

ClinVar aggregate classification (germline): Pathogenic/Likely pathogenic. Review status: criteria provided, multiple submitters, no conflicts (2 of 4 stars). 6 submissions from 5 submitters: Pathogenic (2); Likely pathogenic (2). 2 of the submissions do not count toward it. Last evaluated 2025-12-02.

Conditions:
CFTR-related disorder (CFTR-RD). Also called: CFTR-related condition; CFTR-related disorders. Identifiers: MedGen C5924204, MONDO:7770004.
Cystic fibrosis (CF). Also called: MUCOVISCIDOSIS. Identifiers: Orphanet 586, MedGen C0010674, MONDO:0009061, OMIM 219700. Disease mechanism: loss of function.
Congenital bilateral aplasia of vas deferens from CFTR mutation (CBAVD). Identifiers: Orphanet 48, MedGen C0403814, MONDO:0010178, OMIM 277180. Disease mechanism: loss of function.

Submissions (6):

Ambry Genetics
Classification: Likely pathogenic for Cystic fibrosis. Last evaluated: 2025-12-02. Review status: criteria provided, single submitter. Criteria: Ambry Variant Classification Scheme 2023. Collection method: clinical testing. Allele origin: germline.
Comment: The c.3139+1delG intronic variant is located 1 nucleotide after coding exon 19 of the CFTR gene. This variant results from a deletion of one nucleotide at position c.3139+1. This nucleotide position is highly conserved in available vertebrate species. In silico splice site analysis predicts that this alteration will weaken the native splice donor site. Alterations that disrupt the canonical splice site are expected to cause aberrant splicing, resulting in an abnormal protein or a transcript that is subject to nonsense-mediated mRNA decay. As such, this alteration is classified as likely pathogenic.

Natera, Inc.
Classification: Pathogenic for CFTR-related disorders. Last evaluated: 2025-09-29. Review status: criteria provided, single submitter. Criteria: Natera Variant Classification Schema (03/2026). Collection method: clinical testing. Allele origin: germline.
Comment: The c.3139+1delG variant in CFTR is a canonical splice donor site variant predicted to affect pre-mRNA splicing, which may result in an abnormal transcript and altered protein product. This variant is expected to result in nonsense mediated decay, truncation, or a dysfunctional protein product. This variant is rare in the general population with a frequency below the threshold expected for the associated phenotype(s). Another variant at this same site results in an alteration predicted to cause a similar molecular effect has been observed in individual(s) with the associated phenotype. Given the available evidence, this variant is classified as Pathogenic.

Women's Health and Genetics/Laboratory Corporation of America, LabCorp
Classification: Likely pathogenic for Congenital bilateral aplasia of vas deferens from CFTR mutation. Last evaluated: 2025-02-24. Review status: criteria provided, single submitter. Criteria: LabCorp Variant Classification Summary - May 2015. Collection method: clinical testing. Allele origin: germline.
Comment: Variant summary: CFTR c.3139+1delG is located in a canonical splice-site and is predicted to affect mRNA splicing resulting in a significantly altered protein due to either exon skipping, shortening, or inclusion of intronic material. Variants that disrupt the consensus splice site are a relatively common cause of aberrant splicing and loss of CFTR function. Several computational tools predict a significant impact on normal splicing: Three predict the variant abolishes a canonical 5' splicing donor site. However, these predictions have yet to be confirmed by functional studies. The variant allele was found at a frequency of 4e-06 in 250734 control chromosomes. To our knowledge, no occurrence of c.3139+1delG in individuals affected with Congenital Bilateral Absence Of The Vas Deferens and no experimental evidence demonstrating its impact on protein function have been reported. ClinVar contains an entry for this variant (Variation ID: 370821). Based on the evidence outlined above, the variant was classified as likely pathogenic.

Baylor Genetics
Classification: Pathogenic for Congenital bilateral aplasia of vas deferens from CFTR mutation; Cystic fibrosis. Review status: criteria provided, single submitter. Criteria: ACMG Guidelines, 2015. Collection method: clinical testing. Allele origin: germline.

Counsyl
Classification: Likely pathogenic for Cystic fibrosis. Last evaluated: 2019-07-12. Review status: no assertion criteria provided. Collection method: clinical testing. Allele origin: unknown. Not counted in ClinVar's aggregate classification.

Baylor Genetics
Classification: Likely pathogenic for Cystic fibrosis. Review status: no assertion criteria provided. Collection method: clinical testing. Allele origin: unknown. Not counted in ClinVar's aggregate classification.

NM_000492.4(CFTR):c.3139+1del

Genes: CFTR (CF transmembrane conductance regulator; plus strand), CFTR-AS2 (CFTR antisense RNA 2; minus strand), LOC111674472 (DNase I hypersensitive sites in introns 16 and 17a of CFTR; plus strand). Cytogenetic location: 7q31.2.
Variant type: Deletion.
Coding change: c.3139+1del on transcript NM_000492.4 (MANE Select); the canonical splice donor site of the intron after coding-DNA position 3139, one base deleted (G; older notation c.3139+1delG).
Molecular consequence: splice donor variant.
Genome position (GRCh38, 1-based): chr7:117,610,670, G deleted; the last of 2 consecutive G bases (chr7:117,610,669-117,610,670); deleting either gives the same sequence. VCF-style (leftmost placement, unchanged base first): chr7-117610668-AG-A. GRCh37 (hg19) VCF-style: chr7-117250722-AG-A.
Other names: c.3139+1del (NM_000492.3); c.3139+1delG (NM_000492.4, NM_000492.3).
Identifiers: ClinVar variation 370821 (VCV000370821.9), dbSNP rs780546355, ClinGen allele CA4451380.